The following is an entry in ClinVar:

ClinVar aggregate classification (germline): Uncertain significance. Review status: criteria provided, multiple submitters, no conflicts (2 of 4 stars). 2 submissions from 2 submitters: Uncertain significance (2). Last evaluated 2024-01-26.

Conditions:
Hereditary cancer-predisposing syndrome. Also called: Tumor predisposition; Hereditary Cancer Syndrome; Hereditary neoplastic syndrome; Neoplastic Syndromes, Hereditary. Identifiers: Orphanet 140162, MedGen C0027672, MeSH D009386, MONDO:0015356.

Allele frequency attached by ClinVar (database versions not stated): TOPMed below 0.00001.
gnomAD v4.1: 1 of 1,614,230 alleles (0.000062%); no homozygotes.

Submissions (2):

Ambry Genetics
Classification: Uncertain significance for Hereditary cancer-predisposing syndrome. Last evaluated: 2024-01-26. Review status: criteria provided, single submitter. Criteria: Ambry Variant Classification Scheme 2023. Collection method: clinical testing. Allele origin: germline.
Comment: The p.T172I variant (also known as c.515C>T), located in coding exon 3 of the XRCC2 gene, results from a C to T substitution at nucleotide position 515. The threonine at codon 172 is replaced by isoleucine, an amino acid with similar properties. This amino acid position is conserved. In addition, this alteration is predicted to be tolerated by in silico analysis. Since supporting evidence is limited at this time, the clinical significance of this alteration remains unclear.

Labcorp Genetics (formerly Invitae), Labcorp
Classification: Uncertain significance. Last evaluated: 2016-04-16. Review status: criteria provided, single submitter. Criteria: Invitae Variant Classification Sherloc (09022015). Collection method: clinical testing. Allele origin: germline.
Comment: In summary, this variant is a novel missense change with uncertain impact on protein function. It has been classified as a Variant of Uncertain Significance. Algorithms developed to predict the effect of missense changes on protein structure and function do not agree on the potential impact of this missense change (SIFT: "Deleterious"; PolyPhen-2: "Benign"; Align-GVGD: "Class C0"). This variant is not present in population databases (ExAC no frequency) and has not been reported in the literature in individuals with a XRCC2-related disease. This sequence change replaces threonine with isoleucine at codon 172 of the XRCC2 protein (p.Thr172Ile). The threonine residue is moderately conserved and there is a moderate physicochemical difference between threonine and isoleucine.

NM_005431.2(XRCC2):c.515C>T (p.Thr172Ile)

Gene: XRCC2 (X-ray repair cross complementing 2; minus strand). Cytogenetic location: 7q36.1.
Variant type: single nucleotide variant.
Coding change: c.515C>T on transcript NM_005431.2 (MANE Select); coding-DNA position 515, C replaced by T.
Protein change: p.Thr172Ile; replaces threonine 172 with isoleucine.
Molecular consequence: missense variant.
Genome position (GRCh38, 1-based): chr7:152,648,970, G>A on the plus strand (C>T on the coding strand, the complement: XRCC2 is on the minus strand). VCF-style: chr7-152648970-G-A. GRCh37 (hg19) VCF-style: chr7-152346055-G-A.
Other names: short protein forms T172I.
Identifiers: ClinVar variation 409966 (VCV000409966.12), dbSNP rs1060502670, ClinGen allele CA16612137.
Genomic context (GRCh38, chr7:152,648,970, plus strand): 5'-AAAAGAACCAGGCGATAGTCATTTACAAGCTTCTCTAAGCACTGAGAACATTTCCTCAGA[G>A]TAGACTCCTGTAAGTTCACACTTTCTCCTCCATTGACGCGGTCTATCCAGTAAAAAGCTG-3'
Protein context (NP_005422.1, residues 162-182): GGESVNLQES[Thr172Ile]LRKCSQCLEK